The following is an entry in ClinVar:

ClinVar aggregate classification (germline): Uncertain significance (1 of 4 stars; one submission).

Conditions:
Cardiac anomalies - developmental delay - facial dysmorphism syndrome (MRFACD). Also called: Impaired intellectual development and distinctive facial features with or without cardiac defects; MED13L Syndrome. Identifiers: Orphanet 369891, MedGen C5192431, MONDO:0014773, OMIM 616789.

Submission:

3billion
Classification: Uncertain significance for Cardiac anomalies - developmental delay - facial dysmorphism syndrome. Last evaluated: 2025-08-24. Review status: criteria provided, single submitter. Criteria: ACMG Guidelines, 2015. Collection method: clinical testing. Allele origin: germline. Affected: yes.
Comment: The variant is not observed in the gnomAD v4.1.0 dataset. Predicted Consequence/Location: Inframe insertion located in a nonrepeat region: predicted to change the length of the protein and disrupt normal protein function. Therefore, this variant is classified as VUS according to the recommendation of ACMG/AMP guideline.

NM_015335.5(MED13L):c.4751_4753dup (p.Val1584_Pro1585insLeu)

Gene: MED13L (mediator complex subunit 13L; minus strand). Cytogenetic location: 12q24.21.
Variant type: Duplication.
Coding change: c.4751_4753dup on transcript NM_015335.5 (MANE Select); coding-DNA positions 4751 to 4753, 3 bases duplicated (TGC; older notation c.4751_4753dupTGC).
Protein change: p.Val1584_Pro1585insLeu.
Molecular consequence: inframe insertion.
Genome position (GRCh38, 1-based): chr12:115,983,319-115,983,321, GCA duplicated on the plus strand (TGC on the coding strand, the reverse complement: MED13L is on the minus strand). VCF-style (leftmost placement, unchanged base first): chr12-115983318-G-GGCA. GRCh37 (hg19) VCF-style: chr12-116421123-G-GGCA.
Identifiers: ClinVar variation 4856249 (VCV004856249.1).